The following is an entry in ClinVar:

ClinVar aggregate classification (germline): Uncertain significance (1 of 4 stars; one submission).

Allele frequency attached by ClinVar (database versions not stated): ExAC 0.00002; gnomAD exomes 0.00002 and 0.00006; gnomAD 0.00003; TOPMed 0.00004; ESP Exome Variant Server 0.00008.
gnomAD v4.1: 38 of 1,596,330 alleles (0.0024%); highest among the groups gnomAD compares: East Asian, 0.0067%; no homozygotes.

Submission:

Labcorp Genetics (formerly Invitae), Labcorp
Classification: Uncertain significance. Last evaluated: 2021-08-16. Review status: criteria provided, single submitter. Criteria: Invitae Variant Classification Sherloc (09022015). Collection method: clinical testing. Allele origin: germline.
Comment: Algorithms developed to predict the effect of missense changes on protein structure and function are either unavailable or do not agree on the potential impact of this missense change (SIFT: "Tolerated"; PolyPhen-2: "Probably Damaging"; Align-GVGD: "Class C0"). This variant has not been reported in the literature in individuals with ORC4-related conditions. This variant is present in population databases (rs372594508, ExAC 0.005%). This sequence change replaces glutamine with arginine at codon 43 of the ORC4 protein (p.Gln43Arg). The glutamine residue is moderately conserved and there is a small physicochemical difference between glutamine and arginine. In summary, the available evidence is currently insufficient to determine the role of this variant in disease. Therefore, it has been classified as a Variant of Uncertain Significance.

NM_181741.4(ORC4):c.128A>G (p.Gln43Arg)

Gene: ORC4 (origin recognition complex subunit 4; minus strand). Cytogenetic location: 2q23.1.
Variant type: single nucleotide variant.
Coding change: c.128A>G on transcript NM_181741.4 (MANE Select); coding-DNA position 128, A replaced by G.
Protein change: p.Gln43Arg; replaces glutamine 43 with arginine.
Molecular consequence: missense variant. On other transcripts: 5 prime UTR variant (2), intron variant (1).
Genome position (GRCh38, 1-based): chr2:147,973,454, T>C on the plus strand (A>G on the coding strand, the complement: ORC4 is on the minus strand). VCF-style: chr2-147973454-T-C. GRCh37 (hg19) VCF-style: chr2-148731023-T-C.
Other names: c.128A>G, p.Gln43Arg (NM_001190879.3, NM_001374270.1, NM_002552.5 and 1 more transcripts); c.-95A>G (NM_001190882.3); c.-190A>G (NM_001374272.1); c.-27-14588A>G (NM_001190881.3); short protein forms Q43R.
Identifiers: ClinVar variation 853175 (VCV000853175.9), dbSNP rs372594508, ClinGen allele CA1899728.